The following is an entry in ClinVar:

NM_001379500.1(COL18A1):c.2978dup (p.Gly994fs)

Genes: COL18A1 (collagen type XVIII alpha 1 chain; plus strand), SLC19A1 (solute carrier family 19 member 1; minus strand). Cytogenetic location: 21q22.3.
Variant type: Duplication.
Coding change: c.2978dup on transcript NM_001379500.1 (MANE Select); coding-DNA position 2978, one base duplicated (C; older notation c.2978dupC).
Protein change: p.Gly994fs; shifts the reading frame from glycine 994.
Molecular consequence: frameshift variant.
Genome position (GRCh38, 1-based): chr21:45,505,243, C duplicated; the last of 6 consecutive C bases (chr21:45,505,238-45,505,243); duplicating any one gives the same sequence. VCF-style (leftmost placement, unchanged base first): chr21-45505237-G-GC. GRCh37 (hg19) VCF-style: chr21-46925151-G-GC.
Other names: c.3509dup, p.Gly1171fs (NM_030582.4); c.4214dup, p.Gly1406fs (NM_130444.3); short protein forms G1171fs, G1406fs, G994fs.
Identifiers: ClinVar variation 3022452 (VCV003022452.4), dbSNP rs2517792118, ClinGen allele CA2577627007.

ClinVar aggregate classification (germline): Pathogenic. Review status: criteria provided, multiple submitters, no conflicts (2 of 4 stars). 2 submissions from 2 submitters: Pathogenic (2). Last evaluated 2026-07-10.

Conditions:
Fetal anomalies with a likely genetic cause.

Submissions (2):

Genetics Laboratory, Great Ormond Street Hospital NHS Foundation Trust, North Thames Genomic Laboratory Hub
Classification: Pathogenic for Fetal anomalies with a likely genetic cause. Last evaluated: 2026-07-10. Review status: criteria provided, single submitter. Criteria: ACGS Best Practice Guidelines for Variant Classification in Rare Disease 2024 v1.2. Collection method: clinical testing. Allele origin: germline. Affected: yes.
Comment: PM2_moderate, PVS1_very-strong

Labcorp Genetics (formerly Invitae), Labcorp
Classification: Pathogenic. Last evaluated: 2022-10-10. Review status: criteria provided, single submitter. Criteria: Invitae Variant Classification Sherloc (09022015). Collection method: clinical testing. Allele origin: germline.
Comment: For these reasons, this variant has been classified as Pathogenic. This variant has not been reported in the literature in individuals affected with COL18A1-related conditions. This variant is not present in population databases (gnomAD no frequency). This sequence change creates a premature translational stop signal (p.Gly991Argfs*93) in the COL18A1 gene. It is expected to result in an absent or disrupted protein product. Loss-of-function variants in COL18A1 are known to be pathogenic (PMID: 12415512, 25456301).

Literature cited by the submitters: PubMed 12415512 (cited by Labcorp Genetics (formerly Invitae), Labcorp); PubMed 25456301 (cited by Labcorp Genetics (formerly Invitae), Labcorp).